The following is an entry in ClinVar:

NM_002246.3(KCNK3):c.278C>G (p.Thr93Ser)

Gene: KCNK3 (potassium two pore domain channel subfamily K member 3; plus strand). Cytogenetic location: 2p23.3.
Variant type: single nucleotide variant.
Coding change: c.278C>G on transcript NM_002246.3 (MANE Select); coding-DNA position 278, C replaced by G.
Protein change: p.Thr93Ser; replaces threonine 93 with serine.
Molecular consequence: missense variant.
Genome position (GRCh38, 1-based): chr2:26,693,153, C>G. VCF-style: chr2-26693153-C-G. GRCh37 (hg19) VCF-style: chr2-26916021-C-G.
Other names: short protein forms T93S.
Identifiers: ClinVar variation 4745273 (VCV004745273.1).

ClinVar aggregate classification (germline): Uncertain significance (1 of 4 stars; one submission).

Conditions:
Pulmonary hypertension, primary, 4. Identifiers: Orphanet 422, MedGen C3809198, MONDO:0014136, OMIM 615344.

Submission:

Labcorp Genetics (formerly Invitae), Labcorp
Classification: Uncertain significance for Pulmonary hypertension, primary, 4. Last evaluated: 2025-03-16. Review status: criteria provided, single submitter. Criteria: Invitae Variant Classification Sherloc (09022015). Collection method: clinical testing. Allele origin: germline.
Comment: This sequence change replaces threonine, which is neutral and polar, with serine, which is neutral and polar, at codon 93 of the KCNK3 protein (p.Thr93Ser). This variant is not present in population databases (gnomAD no frequency). This variant has not been reported in the literature in individuals affected with KCNK3-related conditions. Invitae Evidence Modeling of protein sequence and biophysical properties (such as structural, functional, and spatial information, amino acid conservation, physicochemical variation, residue mobility, and thermodynamic stability) has been performed for this missense variant. However, the output from this modeling did not meet the statistical confidence thresholds required to predict the impact of this variant on KCNK3 protein function. In summary, the available evidence is currently insufficient to determine the role of this variant in disease. Therefore, it has been classified as a Variant of Uncertain Significance.